The following is an entry in ClinVar:

NM_000428.3(LTBP2):c.5086G>A (p.Gly1696Ser)

Gene: LTBP2 (latent transforming growth factor beta binding protein 2; minus strand). Cytogenetic location: 14q24.3.
Variant type: single nucleotide variant.
Coding change: c.5086G>A on transcript NM_000428.3 (MANE Select); coding-DNA position 5086, G replaced by A.
Protein change: p.Gly1696Ser; replaces glycine 1696 with serine.
Molecular consequence: missense variant.
Genome position (GRCh38, 1-based): chr14:74,502,737, C>T on the plus strand (G>A on the coding strand, the complement: LTBP2 is on the minus strand). VCF-style: chr14-74502737-C-T. GRCh37 (hg19) VCF-style: chr14-74969440-C-T.
Other names: short protein forms G1696S.
Identifiers: ClinVar variation 2156647 (VCV002156647.5), dbSNP rs372747742, ClinGen allele CA7268535.

ClinVar aggregate classification (germline): Uncertain significance. Review status: criteria provided, multiple submitters, no conflicts (2 of 4 stars). 2 submissions from 2 submitters: Uncertain significance (2). Last evaluated 2023-05-20.

Allele frequency attached by ClinVar (database versions not stated): ExAC 0.00007; gnomAD 0.00011.
gnomAD v4.1: 150 of 1,614,042 alleles (0.0093%); highest among the groups gnomAD compares: East Asian, 0.2%; no homozygotes.

Submissions (2):

Labcorp Genetics (formerly Invitae), Labcorp
Classification: Uncertain significance. Last evaluated: 2023-05-20. Review status: criteria provided, single submitter. Criteria: Invitae Variant Classification Sherloc (09022015). Collection method: clinical testing. Allele origin: germline.
Comment: In summary, the available evidence is currently insufficient to determine the role of this variant in disease. Therefore, it has been classified as a Variant of Uncertain Significance. Algorithms developed to predict the effect of missense changes on protein structure and function output the following: SIFT: "Not Available"; PolyPhen-2: "Benign"; Align-GVGD: "Not Available". The serine amino acid residue is found in multiple mammalian species, which suggests that this missense change does not adversely affect protein function. ClinVar contains an entry for this variant (Variation ID: 2156647). This variant has not been reported in the literature in individuals affected with LTBP2-related conditions. This variant is present in population databases (rs372747742, gnomAD 0.08%). This sequence change replaces glycine, which is neutral and non-polar, with serine, which is neutral and polar, at codon 1696 of the LTBP2 protein (p.Gly1696Ser).

Revvity Omics, Revvity
Classification: Uncertain significance. Last evaluated: 2020-12-30. Review status: criteria provided, single submitter. Criteria: ACMG Guidelines, 2015. Collection method: clinical testing. Allele origin: germline.